The following is an entry in ClinVar:

NM_000540.3(RYR1):c.10990A>G (p.Thr3664Ala)

Gene: RYR1 (ryanodine receptor 1; plus strand). Cytogenetic location: 19q13.2.
Variant type: single nucleotide variant.
Coding change: c.10990A>G on transcript NM_000540.3 (MANE Select); coding-DNA position 10990, A replaced by G.
Protein change: p.Thr3664Ala; replaces threonine 3664 with alanine.
Molecular consequence: missense variant.
Genome position (GRCh38, 1-based): chr19:38,528,651, A>G. VCF-style: chr19-38528651-A-G. GRCh37 (hg19) VCF-style: chr19-39019291-A-G.
Other names: c.10975A>G, p.Thr3659Ala (NM_001042723.2); short protein forms T3659A, T3664A.
Identifiers: ClinVar variation 3385546 (VCV003385546.1).
Genomic context (GRCh38, chr19:38,528,651, plus strand): 5'-CCCTGCAGGCACCGGGCATGTAACATGTTCCTGGAGAGCTACAAGGCTGCATGGATCCTG[A>G]CTGAAGACCACAGTTTTGAGGACCGCATGATAGATGACCTTTCAGTGAGCTGGGACCCGC-3'
Protein context (NP_000531.2, residues 3654-3674): LESYKAAWIL[Thr3664Ala]EDHSFEDRMI

ClinVar aggregate classification (germline): Uncertain significance (1 of 4 stars; one submission).

Conditions:
Malignant hyperthermia, susceptibility to, 1 (MHS1). Also called: Anesthesia related hyperthermia; Malignant hyperpyrexia; Fulminating hyperpyrexia; Pharmacogenic myopathy; Malignant hyperthermia suceptibility 1; RYR1-Related Malignant Hyperthermia Susceptibility. Identifiers: Orphanet 423, MedGen C2930980, MONDO:0007783, OMIM 145600.

gnomAD v4.1: 3 of 1,614,160 alleles (0.00019%); highest among the groups gnomAD compares: Admixed American, 0.0017%; no homozygotes.

Submission:

All of Us Research Program, National Institutes of Health
Classification: Uncertain significance for Malignant hyperthermia, susceptibility to, 1. Last evaluated: 2024-02-22. Review status: criteria provided, single submitter. Criteria: ACMG Guidelines, 2015. Collection method: clinical testing. Allele origin: germline. Inheritance: Autosomal dominant inheritance. Observed: 1 variant allele, 1 heterozygote.
Comment: This missense variant replaces threonine with alanine at codon 3664 of the RYR1 protein. Computational prediction suggests that this variant may not impact protein structure and function (internally defined REVEL score threshold <= 0.5, PMID: 27666373). To our knowledge, functional studies have not been reported for this variant. This variant has not been reported in individuals affected with RYR1-related disorders in the literature. This variant has not been identified in the general population by the Genome Aggregation Database (gnomAD). The available evidence is insufficient to determine the role of this variant in disease conclusively. Therefore, this variant is classified as a Variant of Uncertain Significance.

This study involves interpretation of variants in research participants for the purpose of population health screening. Participant phenotype was not available at the time of variant classification. Additional details can be found in publication PMID: 35346344, PMCID: PMC8962531